The following is an entry in ClinVar:

NM_033026.6(PCLO):c.7739dup (p.Tyr2580Ter)

Gene: PCLO (piccolo presynaptic cytomatrix protein; minus strand). Cytogenetic location: 7q21.11.
Variant type: Duplication.
Coding change: c.7739dup on transcript NM_033026.6 (MANE Select); coding-DNA position 7739, one base duplicated (A; older notation c.7739dupA).
Protein change: p.Tyr2580Ter; replaces tyrosine 2580 with a stop codon.
Molecular consequence: nonsense.
Genome position (GRCh38, 1-based): chr7:82,953,214, T duplicated on the plus strand (A on the coding strand, the reverse complement: PCLO is on the minus strand). VCF-style (leftmost placement, unchanged base first): chr7-82953213-A-AT. GRCh37 (hg19) VCF-style: chr7-82582529-A-AT.
Other names: c.7739dup, p.Tyr2580Ter (NM_014510.3); short protein forms Y2580*.
Identifiers: ClinVar variation 1456431 (VCV001456431.6), dbSNP rs2116438660, ClinGen allele CA2573142378.

ClinVar aggregate classification (germline): Pathogenic (1 of 4 stars; one submission).

Submission:

Labcorp Genetics (formerly Invitae), Labcorp
Classification: Pathogenic. Last evaluated: 2020-12-30. Review status: criteria provided, single submitter. Criteria: Invitae Variant Classification Sherloc (09022015). Collection method: clinical testing. Allele origin: germline.
Comment: This sequence change creates a premature translational stop signal (p.Tyr2580*) in the PCLO gene. It is expected to result in an absent or disrupted protein product. Loss-of-function variants in PCLO are known to be pathogenic (PMID: 25832664, 30287594). For these reasons, this variant has been classified as Pathogenic. This variant has not been reported in the literature in individuals with PCLO-related conditions. This variant is not present in population databases (ExAC no frequency).

Literature cited by the submitters: PubMed 25832664; PubMed 30287594.